The following is an entry in ClinVar:

ClinVar aggregate classification (germline): Uncertain significance (1 of 4 stars; one submission).

Conditions:
Episodic ataxia type 2 (EA2). Also called: ACETAZOLAMIDE-RESPONSIVE HEREDITARY PAROXYSMAL CEREBELLAR ATAXIA; ATAXIA, EPISODIC, WITH NYSTAGMUS; ATAXIA, FAMILIAL PAROXYSMAL; CEREBELLAR ATAXIA, PAROXYSMAL, ACETAZOLAMIDE-RESPONSIVE; CEREBELLOPATHY, HEREDITARY PAROXYSMAL; EPISODIC ATAXIA, NYSTAGMUS-ASSOCIATED. Identifiers: Orphanet 97, MedGen C1720416, MONDO:0007163, OMIM 108500.

Submission:

Center for Human Genetics and Genomic Medicine, Uniklinik Rwth Aachen
Classification: Uncertain significance for Episodic ataxia type 2. Last evaluated: 2021-10-04. Review status: criteria provided, single submitter. Criteria: ACMG Guidelines, 2015. Collection method: clinical testing. Allele origin: germline. Affected: yes.
Comment: The variant is absent from controls and has not yet been reported in the literature. bioinformatic prediction tools indicate a possible pathogenicity. We regard it as a "variant of unknown clinical significance".

NM_001127222.2(CACNA1A):c.607C>G (p.Leu203Val)

Gene: CACNA1A (calcium voltage-gated channel subunit alpha1 A; minus strand). Cytogenetic location: 19p13.13.
Variant type: single nucleotide variant.
Coding change: c.607C>G on transcript NM_001127222.2 (MANE Select); coding-DNA position 607, C replaced by G.
Protein change: p.Leu203Val; replaces leucine 203 with valine.
Molecular consequence: missense variant.
Genome position (GRCh38, 1-based): chr19:13,371,712, G>C on the plus strand (C>G on the coding strand, the complement: CACNA1A is on the minus strand). VCF-style: chr19-13371712-G-C. GRCh37 (hg19) VCF-style: chr19-13482526-G-C.
Other names: c.607C>G, p.Leu203Val (NM_001174080.2, NM_023035.3, NM_000068.4 and 1 more transcripts); short protein forms L203V.
Identifiers: ClinVar variation 1299241 (VCV001299241.3), dbSNP rs2144559245, ClinGen allele CA404350835.